The following is an entry in ClinVar:

NM_001278716.2(FBXL4):c.1172C>G (p.Thr391Ser)

Gene: FBXL4 (F-box and leucine rich repeat protein 4; minus strand). Cytogenetic location: 6q16.1.
Variant type: single nucleotide variant.
Coding change: c.1172C>G on transcript NM_001278716.2 (MANE Select); coding-DNA position 1172, C replaced by G.
Protein change: p.Thr391Ser; replaces threonine 391 with serine.
Molecular consequence: missense variant. On other transcripts: non-coding transcript variant (2).
Genome position (GRCh38, 1-based): chr6:98,899,413, G>C on the plus strand (C>G on the coding strand, the complement: FBXL4 is on the minus strand). VCF-style: chr6-98899413-G-C. GRCh37 (hg19) VCF-style: chr6-99347289-G-C.
Other names: c.1172C>G, p.Thr391Ser (NM_012160.5); short protein forms T391S.
Identifiers: ClinVar variation 437708 (VCV000437708.3), dbSNP rs750610341, ClinGen allele CA3933508.

ClinVar aggregate classification (germline): Uncertain significance. Review status: criteria provided, multiple submitters, no conflicts (2 of 4 stars). 2 submissions from 2 submitters: Uncertain significance (2). Last evaluated 2022-05-13.

Conditions:
Mitochondrial DNA depletion syndrome 13. Also called: FBXL4-Related Encephalomyopathic Mitochondrial DNA Depletion Syndrome; Mitochondrial DNA depletion syndrome 13 (encephalomyopathic type). Identifiers: Orphanet 369897, MedGen C3809592, MONDO:0014198, OMIM 615471.

Allele frequency attached by ClinVar (database versions not stated): TOPMed below 0.00001; gnomAD 0.00001.
gnomAD v4.1: 10 of 1,613,842 alleles (0.00062%); highest among the groups gnomAD compares: East Asian, 0.02%; no homozygotes.

Submissions (2):

Labcorp Genetics (formerly Invitae), Labcorp
Classification: Uncertain significance. Last evaluated: 2022-05-13. Review status: criteria provided, single submitter. Criteria: Invitae Variant Classification Sherloc (09022015). Collection method: clinical testing. Allele origin: germline.
Comment: This sequence change replaces threonine, which is neutral and polar, with serine, which is neutral and polar, at codon 391 of the FBXL4 protein (p.Thr391Ser). This variant is present in population databases (rs750610341, gnomAD 0.03%). This variant has not been reported in the literature in individuals affected with FBXL4-related conditions. ClinVar contains an entry for this variant (Variation ID: 437708). Advanced modeling of protein sequence and biophysical properties (such as structural, functional, and spatial information, amino acid conservation, physicochemical variation, residue mobility, and thermodynamic stability) performed at Invitae indicates that this missense variant is not expected to disrupt FBXL4 protein function. In summary, the available evidence is currently insufficient to determine the role of this variant in disease. Therefore, it has been classified as a Variant of Uncertain Significance.

Wong Mito Lab, Molecular and Human Genetics, Baylor College of Medicine
Classification: Uncertain significance for Mitochondrial DNA depletion syndrome 13. Last evaluated: 2017-08-10. Review status: criteria provided, single submitter. Criteria: ACMG Guidelines, 2015. Collection method: reference population. Allele origin: germline.
Comment: The NM_012160.4:c.1172C>G (NP_036292.2:p.Thr391Ser) [GRCH38: NC_000006.12:g.98899413G>C] variant in FBXL4 gene is interpretated to be a Uncertain Significance - Insufficient Evidence based on ACMG guidelines (PMID: 25741868). This variant meets one or more of the following evidence codes reported in the ACMG-guideline. PM2:This variant is absent in key population databases. Based on this evidence code ClinGen Pathogenicity Calculator (PMID:28081714) suggested that the variant is Uncertain Significance - Insufficient Evidence.